The following is an entry in ClinVar:

NM_031407.7(HUWE1):c.1274A>T (p.Gln425Leu)

Gene: HUWE1 (HECT, UBA and WWE domain containing E3 ubiquitin protein ligase 1; minus strand). Cytogenetic location: Xp11.22.
Variant type: single nucleotide variant.
Coding change: c.1274A>T on transcript NM_031407.7 (MANE Select); coding-DNA position 1274, A replaced by T.
Protein change: p.Gln425Leu; replaces glutamine 425 with leucine.
Molecular consequence: missense variant.
Genome position (GRCh38, 1-based): chrX:53,627,848, T>A on the plus strand (A>T on the coding strand, the complement: HUWE1 is on the minus strand). VCF-style: chrX-53627848-T-A. GRCh37 (hg19) VCF-style: chrX-53654799-T-A.
Other names: short protein forms Q425L.
Identifiers: ClinVar variation 2089113 (VCV002089113.4), dbSNP rs2528000625, ClinGen allele CA413155416.

ClinVar aggregate classification (germline): Uncertain significance (1 of 4 stars; one submission).

Submission:

Labcorp Genetics (formerly Invitae), Labcorp
Classification: Uncertain significance. Last evaluated: 2023-10-24. Review status: criteria provided, single submitter. Criteria: Invitae Variant Classification Sherloc (09022015). Collection method: clinical testing. Allele origin: germline.
Comment: This sequence change replaces glutamine, which is neutral and polar, with leucine, which is neutral and non-polar, at codon 425 of the HUWE1 protein (p.Gln425Leu). This variant is not present in population databases (gnomAD no frequency). This variant has not been reported in the literature in individuals affected with HUWE1-related conditions. ClinVar contains an entry for this variant (Variation ID: 2089113). Advanced modeling of protein sequence and biophysical properties (such as structural, functional, and spatial information, amino acid conservation, physicochemical variation, residue mobility, and thermodynamic stability) has been performed at Invitae for this missense variant, however the output from this modeling did not meet the statistical confidence thresholds required to predict the impact of this variant on HUWE1 protein function. In summary, the available evidence is currently insufficient to determine the role of this variant in disease. Therefore, it has been classified as a Variant of Uncertain Significance.